The following is an entry in ClinVar:

ClinVar aggregate classification (germline): Uncertain significance (1 of 4 stars; one submission).

Conditions:
Transcobalamin II deficiency (TCN2D). Also called: TC II DEFICIENCY; TCN2 DEFICIENCY; Transcolabamin II deficiency. Identifiers: Orphanet 859, MedGen C0342701, MONDO:0010149, OMIM 275350.

Submission:

Labcorp Genetics (formerly Invitae), Labcorp
Classification: Uncertain significance for Transcobalamin II deficiency. Last evaluated: 2024-12-12. Review status: criteria provided, single submitter. Criteria: Invitae Variant Classification Sherloc (09022015). Collection method: clinical testing. Allele origin: germline.
Comment: This sequence change replaces alanine, which is neutral and non-polar, with glycine, which is neutral and non-polar, at codon 270 of the TCN2 protein (p.Ala270Gly). This variant is not present in population databases (gnomAD no frequency). This variant has not been reported in the literature in individuals affected with TCN2-related conditions. Invitae Evidence Modeling of protein sequence and biophysical properties (such as structural, functional, and spatial information, amino acid conservation, physicochemical variation, residue mobility, and thermodynamic stability) has been performed for this missense variant. However, the output from this modeling did not meet the statistical confidence thresholds required to predict the impact of this variant on TCN2 protein function. In summary, the available evidence is currently insufficient to determine the role of this variant in disease. Therefore, it has been classified as a Variant of Uncertain Significance.

NM_000355.4(TCN2):c.809C>G (p.Ala270Gly)

Gene: TCN2 (transcobalamin 2; plus strand). Cytogenetic location: 22q12.2.
Variant type: single nucleotide variant.
Coding change: c.809C>G on transcript NM_000355.4 (MANE Select); coding-DNA position 809, C replaced by G.
Protein change: p.Ala270Gly; replaces alanine 270 with glycine.
Molecular consequence: missense variant.
Genome position (GRCh38, 1-based): chr22:30,615,656, C>G. VCF-style: chr22-30615656-C-G. GRCh37 (hg19) VCF-style: chr22-31011643-C-G.
Other names: c.728C>G, p.Ala243Gly (NM_001184726.2); short protein forms A270G, A243G.
Identifiers: ClinVar variation 3645767 (VCV003645767.2).